The following is an entry in ClinVar:

ClinVar aggregate classification (germline): Benign (1 of 4 stars; one submission).

Conditions:
Nicolaides-Baraitser syndrome (NCBRS). Also called: SMARCA2-Related Nicolaides-Baraitser Syndrome; Intellectual disability-sparse hair-brachydactyly syndrome. Identifiers: Orphanet 3051, MedGen C1303073, MONDO:0011053, OMIM 601358.

Allele frequency attached by ClinVar (database versions not stated): 1000 Genomes Project 30x 0.01062; 1000 Genomes Project 0.01098; TOPMed 0.01801; gnomAD 0.01832 and 0.01921; gnomAD exomes 0.03636.
gnomAD v4.1: 2,822 of 152,740 alleles (1.8%); highest among the groups gnomAD compares: Middle Eastern, 3.4%; 37 homozygotes.

Submission:

Illumina Laboratory Services, Illumina
Classification: Benign for Nicolaides-Baraitser syndrome. Last evaluated: 2018-01-12. Review status: criteria provided, single submitter. Criteria: ICSL Variant Classification Criteria 13 December 2019. Collection method: clinical testing. Allele origin: germline.
Comment: This variant was observed in the ICSL laboratory as part of a predisposition screen in an ostensibly healthy population. It had not been previously curated by ICSL or reported in the Human Gene Mutation Database (HGMD: prior to June 1st, 2018), and was therefore a candidate for classification through an automated scoring system. Utilizing variant allele frequency, disease prevalence and penetrance estimates, and inheritance mode, an automated score was calculated to assess if this variant is too frequent to cause the disease. Based on the score and internal cut-off values, a variant classified as benign is not then subjected to further curation. The score for this variant resulted in a classification of benign for this disease.

NM_003070.5(SMARCA2):c.*716A>G

Gene: SMARCA2 (SWI/SNF related BAF chromatin remodeling complex subunit ATPase 2; plus strand). Cytogenetic location: 9p24.3.
Variant type: single nucleotide variant.
Coding change: c.*716A>G on transcript NM_003070.5 (MANE Select); 716 bases downstream of the stop codon, A replaced by G.
Molecular consequence: 3 prime UTR variant.
Genome position (GRCh38, 1-based): chr9:2,193,455, A>G. VCF-style: chr9-2193455-A-G. GRCh37 (hg19) VCF-style: chr9-2193455-A-G.
Other names: c.*716A>G (NM_001289396.2, NM_001289397.2, NM_001289398.2 and 3 more transcripts).
Identifiers: ClinVar variation 366342 (VCV000366342.5), dbSNP rs1061478, ClinGen allele CA10633275.
Genomic context (GRCh38, chr9:2,193,455, plus strand): 5'-TATTGAATATTGCAATCTATATAGTGTATTGGATGGCTTCTTTTGTCACCCTGATCTCCT[A>G]TGTTACCAATGTGTATCGTCTCCTTCTCCCTAAAGTGTACTTAATCTTTGCTTTCTTTGC-3'